The following is an entry in ClinVar:

NM_001457.4(FLNB):c.5181+4C>T

Gene: FLNB (filamin B; plus strand). Cytogenetic location: 3p14.3.
Variant type: single nucleotide variant.
Coding change: c.5181+4C>T on transcript NM_001457.4 (MANE Select); 4 bases into the intron after coding-DNA position 5181, C replaced by T.
Molecular consequence: intron variant.
Genome position (GRCh38, 1-based): chr3:58,141,933, C>T. VCF-style: chr3-58141933-C-T. GRCh37 (hg19) VCF-style: chr3-58127660-C-T.
Other names: c.5274+4C>T (NM_001164317.2); c.5148+37C>T (NM_001164318.2); c.5110-717C>T (NM_001164319.2).
Identifiers: ClinVar variation 1017777 (VCV001017777.5), dbSNP rs755886634, ClinGen allele CA2468970.

ClinVar aggregate classification (germline): Uncertain significance (1 of 4 stars; one submission).

Allele frequency attached by ClinVar (database versions not stated): TOPMed 0.00001.
gnomAD v4.1: 1 of 1,613,762 alleles (0.000062%); highest among the groups gnomAD compares: Non-Finnish European, 0.000085%; no homozygotes.

Submission:

Labcorp Genetics (formerly Invitae), Labcorp
Classification: Uncertain significance. Last evaluated: 2020-04-03. Review status: criteria provided, single submitter. Criteria: Invitae Variant Classification Sherloc (09022015). Collection method: clinical testing. Allele origin: germline.
Comment: This variant has not been reported in the literature in individuals with FLNB-related conditions. In summary, the available evidence is currently insufficient to determine the role of this variant in disease. Therefore, it has been classified as a Variant of Uncertain Significance. Nucleotide substitutions within the consensus splice site are a relatively common cause of aberrant splicing (PMID: 17576681, 9536098). Algorithms developed to predict the effect of sequence changes on RNA splicing suggest that this variant is not likely to affect RNA splicing, but this prediction has not been confirmed by published transcriptional studies. This variant is present in population databases (rs755886634, ExAC 0.01%). This sequence change falls in intron 30 of the FLNB gene. It does not directly change the encoded amino acid sequence of the FLNB protein, but it affects a nucleotide within the consensus splice site of the intron.

Literature cited by the submitters: PubMed 17576681; PubMed 9536098.